The following is an entry in ClinVar:

ClinVar aggregate classification (germline): Uncertain significance. Review status: criteria provided, multiple submitters, no conflicts (2 of 4 stars). 2 submissions from 2 submitters: Uncertain significance (2). Last evaluated 2022-10-26.

Conditions:
Inborn genetic diseases. Identifiers: MedGen C0950123, MeSH D030342.

Allele frequency attached by ClinVar (database versions not stated): ExAC 0.00001.
gnomAD v4.1: 24 of 1,613,048 alleles (0.0015%); highest among the groups gnomAD compares: Admixed American, 0.02%; no homozygotes.

Submissions (2):

Ambry Genetics
Classification: Uncertain significance for Inborn genetic diseases. Last evaluated: 2022-10-26. Review status: criteria provided, single submitter. Criteria: Ambry Variant Classification Scheme 2023. Collection method: clinical testing. Allele origin: germline.

Labcorp Genetics (formerly Invitae), Labcorp
Classification: Uncertain significance. Last evaluated: 2022-10-17. Review status: criteria provided, single submitter. Criteria: Invitae Variant Classification Sherloc (09022015). Collection method: clinical testing. Allele origin: germline.
Comment: This sequence change replaces proline, which is neutral and non-polar, with arginine, which is basic and polar, at codon 282 of the TBCK protein (p.Pro282Arg). This variant is present in population databases (rs778242457, gnomAD 0.03%). This variant has not been reported in the literature in individuals affected with TBCK-related conditions. ClinVar contains an entry for this variant (Variation ID: 1502744). Advanced modeling of protein sequence and biophysical properties (such as structural, functional, and spatial information, amino acid conservation, physicochemical variation, residue mobility, and thermodynamic stability) performed at Invitae indicates that this missense variant is not expected to disrupt TBCK protein function. Algorithms developed to predict the effect of sequence changes on RNA splicing suggest that this variant may create or strengthen a splice site. In summary, the available evidence is currently insufficient to determine the role of this variant in disease. Therefore, it has been classified as a Variant of Uncertain Significance.

NM_001163435.3(TBCK):c.845C>G (p.Pro282Arg)

Gene: TBCK (TBC1 domain containing kinase; minus strand). Cytogenetic location: 4q24.
Variant type: single nucleotide variant.
Coding change: c.845C>G on transcript NM_001163435.3 (MANE Select); coding-DNA position 845, C replaced by G.
Protein change: p.Pro282Arg; replaces proline 282 with arginine.
Molecular consequence: missense variant.
Genome position (GRCh38, 1-based): chr4:106,247,225, G>C on the plus strand (C>G on the coding strand, the complement: TBCK is on the minus strand). VCF-style: chr4-106247225-G-C. GRCh37 (hg19) VCF-style: chr4-107168382-G-C.
Other names: c.845C>G, p.Pro282Arg (NM_001163436.4); c.728C>G, p.Pro243Arg (NM_001163437.3); c.329C>G, p.Pro110Arg (NM_001290768.2); c.656C>G, p.Pro219Arg (NM_033115.5); c.845C>G (NM_001163435.1); short protein forms P219R, P243R, P282R, P110R.
Identifiers: ClinVar variation 1502744 (VCV001502744.6), dbSNP rs778242457, ClinGen allele CA3035274.